The following is an entry in ClinVar:

NM_000263.4(NAGLU):c.1199A>C (p.Gln400Pro)

Gene: NAGLU (N-acetyl-alpha-glucosaminidase; plus strand). Cytogenetic location: 17q21.2.
Variant type: single nucleotide variant.
Coding change: c.1199A>C on transcript NM_000263.4 (MANE Select); coding-DNA position 1199, A replaced by C.
Protein change: p.Gln400Pro; replaces glutamine 400 with proline.
Molecular consequence: missense variant.
Genome position (GRCh38, 1-based): chr17:42,543,205, A>C. VCF-style: chr17-42543205-A-C. GRCh37 (hg19) VCF-style: chr17-40695223-A-C.
Other names: short protein forms Q400P.
Identifiers: ClinVar variation 2012453 (VCV002012453.4), dbSNP rs2510659133, ClinGen allele CA399601403.

ClinVar aggregate classification (germline): Uncertain significance (1 of 4 stars; one submission).

Conditions:
Mucopolysaccharidosis, MPS-III-B (MPS3B). Also called: N-ACETYL-ALPHA-D-GLUCOSAMINIDASE DEFICIENCY; NAGLU DEFICIENCY; SANFILIPPO SYNDROME B; MPS III B; Mucopolysaccharidosis type IIIB (Sanfilippo B); MPS IIIB (Sanfilippo Syndrome Type B). Identifiers: Orphanet 79270, MedGen C0086648, MONDO:0009656, OMIM 252920.
Charcot-Marie-Tooth disease axonal type 2V. Also called: CHARCOT-MARIE-TOOTH NEUROPATHY, TYPE 2V; CHARCOT-MARIE-TOOTH DISEASE, AXONAL, AUTOSOMAL DOMINANT, TYPE 2V. Identifiers: Orphanet 447964, MedGen C5569050, MONDO:0014665, OMIM 616491.

Submission:

Labcorp Genetics (formerly Invitae), Labcorp
Classification: Uncertain significance for Charcot-Marie-Tooth disease axonal type 2V; Mucopolysaccharidosis, MPS-III-B. Last evaluated: 2022-06-30. Review status: criteria provided, single submitter. Criteria: Invitae Variant Classification Sherloc (09022015). Collection method: clinical testing. Allele origin: germline.
Comment: In summary, the available evidence is currently insufficient to determine the role of this variant in disease. Therefore, it has been classified as a Variant of Uncertain Significance. Advanced modeling of protein sequence and biophysical properties (such as structural, functional, and spatial information, amino acid conservation, physicochemical variation, residue mobility, and thermodynamic stability) performed at Invitae indicates that this missense variant is expected to disrupt NAGLU protein function. This variant has not been reported in the literature in individuals affected with NAGLU-related conditions. This variant is not present in population databases (gnomAD no frequency). This sequence change replaces glutamine, which is neutral and polar, with proline, which is neutral and non-polar, at codon 400 of the NAGLU protein (p.Gln400Pro).